The following is an entry in ClinVar:

NM_000186.4(CFH):c.1699A>G (p.Arg567Gly)

Gene: CFH (complement factor H; plus strand). Cytogenetic location: 1q31.3.
Variant type: single nucleotide variant.
Coding change: c.1699A>G on transcript NM_000186.4 (MANE Select); coding-DNA position 1699, A replaced by G.
Protein change: p.Arg567Gly; replaces arginine 567 with glycine.
Molecular consequence: missense variant.
Genome position (GRCh38, 1-based): chr1:196,725,123, A>G. VCF-style: chr1-196725123-A-G. GRCh37 (hg19) VCF-style: chr1-196694253-A-G.
Other names: short protein forms R567G.
Identifiers: ClinVar variation 830004 (VCV000830004.12), dbSNP rs757756991, ClinGen allele CA1305466.
Genomic context (GRCh38, chr1:196,725,123, plus strand): 5'-ATTAACTTTGGCAATGATTAATTATATATTCTCATGAAATTATTTTACCTTTTTCAAGAA[A>G]GAGAATGCGAACTTCCTAAAATAGATGTACACTTAGTTCCTGATCGCAAGAAAGACCAGT-3'
Protein context (NP_000177.2, residues 557-577): GWSDLPICYE[Arg567Gly]ECELPKIDVH

ClinVar aggregate classification (germline): Conflicting classifications of pathogenicity. Review status: criteria provided, conflicting classifications (1 of 4 stars). 7 submissions from 7 submitters: Likely pathogenic (1); Uncertain significance (2). 4 of the submissions do not count toward it. Last evaluated 2026-09-17.

Conditions:
Factor H deficiency (CFHD). Also called: COMPLEMENT FACTOR H DEFICIENCY; CFH DEFICIENCY. Identifiers: Orphanet 200421, MedGen C0398777, MONDO:0012350, OMIM 609814.
Basal laminar drusen. Also called: DRUSEN OF BRUCH MEMBRANE; DRUSEN, CUTICULAR; DRUSEN, EARLY ADULT-ONSET, GROUPED. Identifiers: Orphanet 75376, MedGen C0730295, MONDO:0007472, OMIM 126700.
Age related macular degeneration 4. Identifiers: MedGen C1853147, MONDO:0012540, OMIM 610698.
CFH-related disorder. Also called: CFH-related condition; CFH-related disorders.
Hemolytic uremic syndrome, atypical, susceptibility to, 1. Also called: AHUS, SUSCEPTIBILITY TO, 1. Identifiers: Orphanet 2134, Orphanet 90038, MedGen C2749604, MONDO:0009335, OMIM 235400. Disease mechanism: Other.

Submissions (7):

Genomenon, Inc
Classification: Likely pathogenic for Age related macular degeneration 4; Factor H deficiency; Basal laminar drusen. Last evaluated: 2026-09-17. Review status: criteria provided, single submitter. Criteria: Genomenon Sequence Variant Interpretation Standards - Updated. Collection method: curation. Allele origin: germline. Affected: yes.
Comment: CFH p.Arg567Gly (c.1699A>G) is a missense variant that changes the amino acid at codon 567 from arginine to glycine. This variant has been observed in at least one proband affected with a CFH-related disorder (PMID: 26501415; 18252232; 25341722). Functional studies have been reported (PMID: 36445700). It is absent or not present at a significant frequency in gnomAD. In silico models predict that this variant is possibly or probably damaging. In conclusion, we classify CFH p.Arg567Gly (c.1699A>G) as a likely pathogenic variant.

Labcorp Genetics (formerly Invitae), Labcorp
Classification: Uncertain significance. Last evaluated: 2024-12-31. Review status: criteria provided, single submitter. Criteria: Invitae Variant Classification Sherloc (09022015). Collection method: clinical testing. Allele origin: germline.
Comment: This sequence change replaces arginine, which is basic and polar, with glycine, which is neutral and non-polar, at codon 567 of the CFH protein (p.Arg567Gly). This variant is present in population databases (rs757756991, gnomAD 0.0009%). This missense change has been observed in individual(s) with basal laminar drusen or post-infectious glomerulonephritis (PMID: 18252232, 23235567). ClinVar contains an entry for this variant (Variation ID: 830004). An algorithm developed to predict the effect of missense changes on protein structure and function (PolyPhen-2) suggests that this variant is likely to be disruptive. Algorithms developed to predict the effect of sequence changes on RNA splicing suggest that this variant may create or strengthen a splice site. In summary, the available evidence is currently insufficient to determine the role of this variant in disease. Therefore, it has been classified as a Variant of Uncertain Significance.

Fulgent Genetics
Classification: Uncertain significance for Basal laminar drusen; Hemolytic uremic syndrome, atypical, susceptibility to, 1; Factor H deficiency; Age related macular degeneration 4. Last evaluated: 2021-10-01. Review status: criteria provided, single submitter. Criteria: ACMG Guidelines, 2015. Collection method: clinical testing. Allele origin: unknown.

PreventionGenetics, part of Exact Sciences
Classification: Uncertain significance for CFH-related condition. Last evaluated: 2024-07-12. Review status: no assertion criteria provided. Collection method: clinical testing. Allele origin: germline. Not counted in ClinVar's aggregate classification.
Comment: The CFH c.1699A>G variant is predicted to result in the amino acid substitution p.Arg567Gly. This variant has been reported in the heterozygous state in an individual with atypical postinfectious glomerulonephritis (Sethi et al. 2013. PubMed ID: 23235567) and has also been reported, along with another missense variant in CFH, in an individual with basal laminar drusen (Boon et al. 2008. PubMed ID: 18252232). This variant is also considered a recurrent variant associated with age-related macular degeneration (Cantsilieris et al. 2018. PubMed ID: 29686068). Structural modeling and functional assays of this variant suggest that it may play an important role in CFH structure and may impact function (Boon et al. 2008. PubMed ID: 18252232; Sethi et al. 2013. PubMed ID: 23235567). This variant is reported in 0.00089% of alleles in individuals of European (Non-Finnish) descent in gnomAD. At this time, the clinical significance of this variant is uncertain due to the absence of conclusive functional and genetic evidence.

Bioscientia Institut fuer Medizinische Diagnostik GmbH, Sonic Healthcare
Classification: Uncertain significance for Hemolytic uremic syndrome, atypical, susceptibility to, 1. Last evaluated: 2019-09-24. Review status: no assertion criteria provided. Collection method: clinical testing. Allele origin: germline. Affected: yes. Not counted in ClinVar's aggregate classification.

Clinical Genetics DNA and cytogenetics Diagnostics Lab, Erasmus MC, Erasmus Medical Center
Classification: Uncertain significance. Review status: no assertion criteria provided. Collection method: clinical testing. Allele origin: germline. Affected: yes. Study: VKGL Data-share Consensus. Not counted in ClinVar's aggregate classification.

Joint Genome Diagnostic Labs from Nijmegen and Maastricht, Radboudumc and MUMC+
Classification: Uncertain significance. Review status: no assertion criteria provided. Collection method: clinical testing. Allele origin: germline. Affected: yes. Study: VKGL Data-share Consensus. Not counted in ClinVar's aggregate classification.

Literature cited by the submitters: PubMed 26501415 (cited by Genomenon, Inc); PubMed 18252232 (cited by Genomenon, Inc and Labcorp Genetics (formerly Invitae), Labcorp); PubMed 25341722 (cited by Genomenon, Inc); PubMed 36445700 (cited by Genomenon, Inc); PubMed 23235567 (cited by Labcorp Genetics (formerly Invitae), Labcorp).